The following is an entry in ClinVar:

NM_018089.3(ANKZF1):c.1699del (p.Arg567fs)

Gene: ANKZF1 (ankyrin repeat and zinc finger peptidyl tRNA hydrolase 1; plus strand). Cytogenetic location: 2q35.
Variant type: Deletion.
Coding change: c.1699del on transcript NM_018089.3 (MANE Select); coding-DNA position 1699, one base deleted (C; older notation c.1699delC).
Protein change: p.Arg567fs; shifts the reading frame from arginine 567.
Molecular consequence: frameshift variant.
Genome position (GRCh38, 1-based): chr2:219,235,481, C deleted. VCF-style (leftmost placement, unchanged base first): chr2-219235480-TC-T. GRCh37 (hg19) VCF-style: chr2-220100202-TC-T.
Other names: c.1699del, p.Arg567fs (NM_001042410.2); c.1069del, p.Arg357fs (NM_001282792.2); short protein forms R357fs, R567fs.
Identifiers: ClinVar variation 2149798 (VCV002149798.4), dbSNP rs772022822, ClinGen allele CA2121137.

ClinVar aggregate classification (germline): Uncertain significance (1 of 4 stars; one submission).

Allele frequency attached by ClinVar (database versions not stated): gnomAD exomes below 0.00001; ExAC 0.00002; ESP Exome Variant Server 0.00009.

Submission:

Labcorp Genetics (formerly Invitae), Labcorp
Classification: Uncertain significance. Last evaluated: 2022-09-17. Review status: criteria provided, single submitter. Criteria: Invitae Variant Classification Sherloc (09022015). Collection method: clinical testing. Allele origin: germline.
Comment: This sequence change creates a premature translational stop signal (p.Arg567Glyfs*40) in the ANKZF1 gene. It is expected to result in an absent or disrupted protein product. However, the current clinical and genetic evidence is not sufficient to establish whether loss-of-function variants in ANKZF1 cause disease. This variant is present in population databases (rs772022822, gnomAD 0.006%). This variant has not been reported in the literature in individuals affected with ANKZF1-related conditions. In summary, the available evidence is currently insufficient to determine the role of this variant in disease. Therefore, it has been classified as a Variant of Uncertain Significance. Algorithms developed to predict the effect of sequence changes on RNA splicing suggest that this variant may disrupt the consensus splice site.